The following is an entry in ClinVar:

NM_020207.7(ERCC6L2):c.1708T>C (p.Phe570Leu)

Gene: ERCC6L2 (ERCC excision repair 6 like 2; plus strand). Cytogenetic location: 9q22.32.
Variant type: single nucleotide variant.
Coding change: c.1708T>C on transcript NM_020207.7 (MANE Select); coding-DNA position 1708, T replaced by C.
Protein change: p.Phe570Leu; replaces phenylalanine 570 with leucine.
Molecular consequence: missense variant. On other transcripts: non-coding transcript variant (1).
Genome position (GRCh38, 1-based): chr9:95,928,821, T>C. VCF-style: chr9-95928821-T-C. GRCh37 (hg19) VCF-style: chr9-98691103-T-C.
Other names: c.1708T>C, p.Phe570Leu (NM_001010895.4, NM_001375291.1, NM_001375292.1 and 2 more transcripts); short protein forms F570L.
Identifiers: ClinVar variation 3509969 (VCV003509969.1).
Genomic context (GRCh38, chr9:95,928,821, plus strand): 5'-GATTACCGACGACTTGATGGAAGTACAAAATCAGAGGAAAGACTCAAGATTGTAAAAGAG[T>C]TCAACAGTACACAAGATGTTAACATTTGCCTTGTCTCTACAATGTAAGAAAATTAAATTT-3'
Protein context (NP_064592.3, residues 560-580): SEERLKIVKE[Phe570Leu]NSTQDVNICL

ClinVar aggregate classification (germline): Uncertain significance (1 of 4 stars; one submission).

Conditions:
Inborn genetic diseases. Identifiers: MedGen C0950123, MeSH D030342.

gnomAD v4.1: 1 of 1,611,434 alleles (0.000062%); no homozygotes.

Submission:

Ambry Genetics
Classification: Uncertain significance for Inborn genetic diseases. Last evaluated: 2024-11-22. Review status: criteria provided, single submitter. Criteria: Ambry Variant Classification Scheme 2023. Collection method: clinical testing. Allele origin: germline.
Comment: The p.F570L variant (also known as c.1708T>C), located in coding exon 11 of the ERCC6L2 gene, results from a T to C substitution at nucleotide position 1708. The phenylalanine at codon 570 is replaced by leucine, an amino acid with highly similar properties. This amino acid position is conserved. In addition, this alteration is predicted to be deleterious by in silico analysis. Based on the available evidence, the clinical significance of this variant remains unclear.